The following is an entry in ClinVar:

NM_000264.5(PTCH1):c.3796C>A (p.His1266Asn)

Gene: PTCH1 (patched 1; minus strand). Cytogenetic location: 9q22.32.
Variant type: single nucleotide variant.
Coding change: c.3796C>A on transcript NM_000264.5 (MANE Select); coding-DNA position 3796, C replaced by A.
Protein change: p.His1266Asn; replaces histidine 1266 with asparagine.
Molecular consequence: missense variant. On other transcripts: non-coding transcript variant (1).
Genome position (GRCh38, 1-based): chr9:95,449,077, G>T on the plus strand (C>A on the coding strand, the complement: PTCH1 is on the minus strand). VCF-style: chr9-95449077-G-T. GRCh37 (hg19) VCF-style: chr9-98211359-G-T.
Other names: c.3640C>A, p.His1214Asn (NM_001354918.2); c.3598C>A, p.His1200Asn (NM_001083602.3); c.3793C>A, p.His1265Asn (NM_001083603.3); c.3343C>A, p.His1115Asn (NM_001083604.3, NM_001083605.3, NM_001083606.3 and 1 more transcripts); short protein forms H1115N, H1200N, H1214N, H1265N, H1266N.
Identifiers: ClinVar variation 2836001 (VCV002836001.3), dbSNP rs751826546, ClinGen allele CA374110920.

ClinVar aggregate classification (germline): Uncertain significance (1 of 4 stars; one submission).

Conditions:
Gorlin syndrome. Also called: Nevoid Basal Cell Carcinoma Syndrome; Basal cell nevus syndrome. Identifiers: Orphanet 377, MedGen C0004779, MONDO:0007187.

Submission:

Labcorp Genetics (formerly Invitae), Labcorp
Classification: Uncertain significance for Gorlin syndrome. Last evaluated: 2023-02-10. Review status: criteria provided, single submitter. Criteria: Invitae Variant Classification Sherloc (09022015). Collection method: clinical testing. Allele origin: germline.
Comment: This sequence change replaces histidine, which is basic and polar, with asparagine, which is neutral and polar, at codon 1266 of the PTCH1 protein (p.His1266Asn). This variant is not present in population databases (gnomAD no frequency). This variant has not been reported in the literature in individuals affected with PTCH1-related conditions. Advanced modeling of protein sequence and biophysical properties (such as structural, functional, and spatial information, amino acid conservation, physicochemical variation, residue mobility, and thermodynamic stability) performed at Invitae indicates that this missense variant is not expected to disrupt PTCH1 protein function. In summary, the available evidence is currently insufficient to determine the role of this variant in disease. Therefore, it has been classified as a Variant of Uncertain Significance.